The following is an entry in ClinVar:

NM_006939.4(SOS2):c.3832A>G (p.Ser1278Gly)

Gene: SOS2 (SOS Ras/Rho guanine nucleotide exchange factor 2; minus strand). Cytogenetic location: 14q21.3.
Variant type: single nucleotide variant.
Coding change: c.3832A>G on transcript NM_006939.4 (MANE Select); coding-DNA position 3832, A replaced by G.
Protein change: p.Ser1278Gly; replaces serine 1278 with glycine.
Molecular consequence: missense variant.
Genome position (GRCh38, 1-based): chr14:50,118,511, T>C on the plus strand (A>G on the coding strand, the complement: SOS2 is on the minus strand). VCF-style: chr14-50118511-T-C. GRCh37 (hg19) VCF-style: chr14-50585229-T-C.
Other names: c.3733A>G, p.Ser1245Gly (NM_001411020.1); short protein forms S1278G, S1245G.
Identifiers: ClinVar variation 1936984 (VCV001936984.5), dbSNP rs2502755162, ClinGen allele CA389637505.

ClinVar aggregate classification (germline): Uncertain significance (1 of 4 stars; one submission).

Conditions:
Noonan syndrome 9 (NS9). Identifiers: Orphanet 648, MedGen C4225282, MONDO:0014691, OMIM 616559.

Submission:

Labcorp Genetics (formerly Invitae), Labcorp
Classification: Uncertain significance for Noonan syndrome 9. Last evaluated: 2022-04-18. Review status: criteria provided, single submitter. Criteria: Invitae Variant Classification Sherloc (09022015). Collection method: clinical testing. Allele origin: germline.
Comment: In summary, the available evidence is currently insufficient to determine the role of this variant in disease. Therefore, it has been classified as a Variant of Uncertain Significance. Advanced modeling of protein sequence and biophysical properties (such as structural, functional, and spatial information, amino acid conservation, physicochemical variation, residue mobility, and thermodynamic stability) performed at Invitae indicates that this missense variant is not expected to disrupt SOS2 protein function. This variant has not been reported in the literature in individuals affected with SOS2-related conditions. This variant is not present in population databases (gnomAD no frequency). This sequence change replaces serine, which is neutral and polar, with glycine, which is neutral and non-polar, at codon 1278 of the SOS2 protein (p.Ser1278Gly).